The following is an entry in ClinVar:

NM_001252024.2(TRPM1):c.1533C>G (p.His511Gln)

Gene: TRPM1 (transient receptor potential cation channel subfamily M member 1; minus strand). Cytogenetic location: 15q13.3.
Variant type: single nucleotide variant.
Coding change: c.1533C>G on transcript NM_001252024.2 (MANE Select); coding-DNA position 1533, C replaced by G.
Protein change: p.His511Gln; replaces histidine 511 with glutamine.
Molecular consequence: missense variant.
Genome position (GRCh38, 1-based): chr15:31,049,414, G>C on the plus strand (C>G on the coding strand, the complement: TRPM1 is on the minus strand). VCF-style: chr15-31049414-G-C. GRCh37 (hg19) VCF-style: chr15-31341617-G-C.
Other names: c.1584C>G, p.His528Gln (NM_001252020.2); c.1467C>G, p.His489Gln (NM_002420.6); short protein forms H489Q, H511Q, H528Q.
Identifiers: ClinVar variation 2062371 (VCV002062371.5), dbSNP rs1425189365, ClinGen allele CA391516872.
Genomic context (GRCh38, chr15:31,049,414, plus strand): 5'-CCCTTTTTCTAGAGCACTCACTGTGTTATAAAGCTCCTCCAGCCTCGGAATGGTCAGAAA[G>C]TGTTGCATGTTCACTCCGTTTTCAATCAGGAGCTTCACAAAGTCGACACGATCTAAGACT-3'
Protein context (NP_001238953.1, residues 501-521): LLIENGVNMQ[His511Gln]FLTIPRLEEL

ClinVar aggregate classification (germline): Uncertain significance. Review status: criteria provided, multiple submitters, no conflicts (2 of 4 stars). 2 submissions from 2 submitters: Uncertain significance (2). Last evaluated 2023-04-24.

Allele frequency attached by ClinVar (database versions not stated): gnomAD 0.00002.
gnomAD v4.1: 3 of 1,614,094 alleles (0.00019%); highest among the groups gnomAD compares: African/African-American, 0.004%; no homozygotes.

Submissions (2):

Labcorp Genetics (formerly Invitae), Labcorp
Classification: Uncertain significance. Last evaluated: 2023-04-24. Review status: criteria provided, single submitter. Criteria: Invitae Variant Classification Sherloc (09022015). Collection method: clinical testing. Allele origin: germline.
Comment: This sequence change replaces histidine, which is basic and polar, with glutamine, which is neutral and polar, at codon 489 of the TRPM1 protein (p.His489Gln). In summary, the available evidence is currently insufficient to determine the role of this variant in disease. Therefore, it has been classified as a Variant of Uncertain Significance. Advanced modeling of protein sequence and biophysical properties (such as structural, functional, and spatial information, amino acid conservation, physicochemical variation, residue mobility, and thermodynamic stability) performed at Invitae indicates that this missense variant is not expected to disrupt TRPM1 protein function. ClinVar contains an entry for this variant (Variation ID: 2062371). This variant has not been reported in the literature in individuals affected with TRPM1-related conditions. This variant is present in population databases (no rsID available, gnomAD 0.02%).

Blueprint Genetics
Classification: Uncertain significance. Last evaluated: 2018-06-14. Review status: criteria provided, single submitter. Criteria: ACMG Guidelines, 2015. Collection method: clinical testing. Allele origin: germline.